The following is an entry in ClinVar:

NM_020745.4(AARS2):c.1036C>A (p.Pro346Thr)

Gene: AARS2 (alanyl-tRNA synthetase 2, mitochondrial; minus strand). Cytogenetic location: 6p21.1.
Variant type: single nucleotide variant.
Coding change: c.1036C>A on transcript NM_020745.4 (MANE Select); coding-DNA position 1036, C replaced by A.
Protein change: p.Pro346Thr; replaces proline 346 with threonine.
Molecular consequence: missense variant.
Genome position (GRCh38, 1-based): chr6:44,307,253, G>T on the plus strand (C>A on the coding strand, the complement: AARS2 is on the minus strand). VCF-style: chr6-44307253-G-T. GRCh37 (hg19) VCF-style: chr6-44274990-G-T.
Other names: short protein forms P346T.
Identifiers: ClinVar variation 2969061 (VCV002969061.3), dbSNP rs1438347145, ClinGen allele CA364340125.

ClinVar aggregate classification (germline): Uncertain significance (1 of 4 stars; one submission).

gnomAD v4.1: 2 of 1,613,844 alleles (0.00012%); highest among the groups gnomAD compares: Admixed American, 0.0017%; no homozygotes.

Submission:

Labcorp Genetics (formerly Invitae), Labcorp
Classification: Uncertain significance. Last evaluated: 2025-03-17. Review status: criteria provided, single submitter. Criteria: Invitae Variant Classification Sherloc (09022015). Collection method: clinical testing. Allele origin: germline.
Comment: This sequence change replaces proline, which is neutral and non-polar, with threonine, which is neutral and polar, at codon 346 of the AARS2 protein (p.Pro346Thr). The frequency data for this variant in the population databases is considered unreliable, as metrics indicate poor data quality at this position in the gnomAD database. This missense change has been observed in individual(s) with leukoencephalopathy (PMID: 37456626). In at least one individual the data is consistent with being in trans (on the opposite chromosome) from a pathogenic variant. ClinVar contains an entry for this variant (Variation ID: 2969061). Invitae Evidence Modeling of protein sequence and biophysical properties (such as structural, functional, and spatial information, amino acid conservation, physicochemical variation, residue mobility, and thermodynamic stability) indicates that this missense variant is not expected to disrupt AARS2 protein function with a negative predictive value of 80%. Studies have shown that this missense change is associated with inconclusive levels of altered splicing (PMID: 37456626). In summary, the available evidence is currently insufficient to determine the role of this variant in disease. Therefore, it has been classified as a Variant of Uncertain Significance.

Literature cited by the submitters: PubMed 37456626.